The following is an entry in ClinVar:

NM_007144.3(PCGF2):c.172G>C (p.Val58Leu)

Gene: PCGF2 (polycomb group ring finger 2; minus strand). Cytogenetic location: 17q12.
Variant type: single nucleotide variant.
Coding change: c.172G>C on transcript NM_007144.3 (MANE Select); coding-DNA position 172, G replaced by C.
Protein change: p.Val58Leu; replaces valine 58 with leucine.
Molecular consequence: missense variant.
Genome position (GRCh38, 1-based): chr17:38,739,623, C>G on the plus strand (G>C on the coding strand, the complement: PCGF2 is on the minus strand). VCF-style: chr17-38739623-C-G. GRCh37 (hg19) VCF-style: chr17-36895876-C-G.
Other names: c.172G>C, p.Val58Leu (NM_001369614.1, NM_001369615.1); short protein forms V58L.
Identifiers: ClinVar variation 4744819 (VCV004744819.1).

ClinVar aggregate classification (germline): Uncertain significance (1 of 4 stars; one submission).

gnomAD v4.1: 1 of 1,613,942 alleles (0.000062%); highest among the groups gnomAD compares: Non-Finnish European, 0.000085%; no homozygotes.

Submission:

Labcorp Genetics (formerly Invitae), Labcorp
Classification: Uncertain significance. Last evaluated: 2025-12-15. Review status: criteria provided, single submitter. Criteria: Invitae Variant Classification Sherloc (09022015). Collection method: clinical testing. Allele origin: germline.
Comment: This sequence change replaces valine, which is neutral and non-polar, with leucine, which is neutral and non-polar, at codon 58 of the PCGF2 protein (p.Val58Leu). This variant is not present in population databases (gnomAD no frequency). This variant has not been reported in the literature in individuals affected with PCGF2-related conditions. Invitae Evidence Modeling of protein sequence and biophysical properties (such as structural, functional, and spatial information, amino acid conservation, physicochemical variation, residue mobility, and thermodynamic stability) indicates that this missense variant is not expected to disrupt PCGF2 protein function with a negative predictive value of 80%. In summary, the available evidence is currently insufficient to determine the role of this variant in disease. Therefore, it has been classified as a Variant of Uncertain Significance.